The following is an entry in ClinVar:

ClinVar aggregate classification (germline): Uncertain significance. Review status: criteria provided, multiple submitters, no conflicts (2 of 4 stars). 3 submissions from 3 submitters: Uncertain significance (3). Last evaluated 2024-06-24.

Conditions:
Cardiovascular phenotype. Identifiers: MedGen CN230736.
Hereditary cancer-predisposing syndrome. Also called: Hereditary neoplastic syndrome; Neoplastic Syndromes, Hereditary; Tumor predisposition; Hereditary Cancer Syndrome. Identifiers: Orphanet 140162, MedGen C0027672, MeSH D009386, MONDO:0015356.
Neurofibromatosis, type 1 (NF1). Also called: VON RECKLINGHAUSEN DISEASE; Peripheral type neurofibromatosis; NEUROFIBROMATOSIS, TYPE I, SOMATIC; Neurofibromatosis, type I. Identifiers: Orphanet 636, MedGen C0027831, MONDO:0018975, OMIM 162200. Disease mechanism: loss of function.

Allele frequency attached by ClinVar (database versions not stated): gnomAD exomes below 0.00001 and 0.00001; ExAC 0.00001.
gnomAD v4.1: 2 of 1,614,030 alleles (0.00012%); highest among the groups gnomAD compares: South Asian, 0.0022%; no homozygotes.

Submissions (3):

Labcorp Genetics (formerly Invitae), Labcorp
Classification: Uncertain significance for Neurofibromatosis, type 1. Last evaluated: 2024-06-24. Review status: criteria provided, single submitter. Criteria: Invitae Variant Classification Sherloc (09022015). Collection method: clinical testing. Allele origin: germline.
Comment: This sequence change replaces histidine, which is basic and polar, with leucine, which is neutral and non-polar, at codon 1366 of the NF1 protein (p.His1366Leu). This variant is present in population databases (rs769042915, gnomAD 0.006%). This variant has not been reported in the literature in individuals affected with NF1-related conditions. ClinVar contains an entry for this variant (Variation ID: 480222). Advanced modeling of protein sequence and biophysical properties (such as structural, functional, and spatial information, amino acid conservation, physicochemical variation, residue mobility, and thermodynamic stability) performed at Invitae indicates that this missense variant is expected to disrupt NF1 protein function with a positive predictive value of 95%. In summary, the available evidence is currently insufficient to determine the role of this variant in disease. Therefore, it has been classified as a Variant of Uncertain Significance.

Genome-Nilou Lab
Classification: Uncertain significance for Neurofibromatosis, type 1. Last evaluated: 2022-03-15. Review status: criteria provided, single submitter. Criteria: ACMG Guidelines, 2015. Collection method: clinical testing. Allele origin: germline. Affected: no.

Ambry Genetics
Classification: Uncertain significance for Cardiovascular phenotype; Hereditary cancer-predisposing syndrome. Last evaluated: 2017-07-27. Review status: criteria provided, single submitter. Criteria: Ambry Variant Classification Scheme 2023. Collection method: clinical testing. Allele origin: germline.
Comment: The p.H1366L variant (also known as c.4097A>T), located in coding exon 30 of the NF1 gene, results from an A to T substitution at nucleotide position 4097. The histidine at codon 1366 is replaced by leucine, an amino acid with similar properties. This amino acid position is highly conserved in available vertebrate species. In addition, this alteration is predicted to be deleterious by in silico analysis. Since supporting evidence is limited at this time, the clinical significance of this alteration remains unclear.

NM_001042492.3(NF1):c.4097A>T (p.His1366Leu)

Gene: NF1 (neurofibromin 1; plus strand). Cytogenetic location: 17q11.2.
Variant type: single nucleotide variant.
Coding change: c.4097A>T on transcript NM_001042492.3 (MANE Select); coding-DNA position 4097, A replaced by T.
Protein change: p.His1366Leu; replaces histidine 1366 with leucine.
Molecular consequence: missense variant.
Genome position (GRCh38, 1-based): chr17:31,249,106, A>T. VCF-style: chr17-31249106-A-T. GRCh37 (hg19) VCF-style: chr17-29576124-A-T.
Other names: c.4097A>T, p.His1366Leu (NM_000267.4); short protein forms H1366L.
Identifiers: ClinVar variation 480222 (VCV000480222.12), dbSNP rs769042915, ClinGen allele CA8486324.